The following is an entry in ClinVar:

NM_020533.3(MCOLN1):c.481T>C (p.Ser161Pro)

Gene: MCOLN1 (mucolipin TRP cation channel 1; plus strand). Cytogenetic location: 19p13.2.
Variant type: single nucleotide variant.
Coding change: c.481T>C on transcript NM_020533.3 (MANE Select); coding-DNA position 481, T replaced by C.
Protein change: p.Ser161Pro; replaces serine 161 with proline.
Molecular consequence: missense variant.
Genome position (GRCh38, 1-based): chr19:7,526,836, T>C. VCF-style: chr19-7526836-T-C. GRCh37 (hg19) VCF-style: chr19-7591722-T-C.
Other names: short protein forms S161P.
Identifiers: ClinVar variation 4624549 (VCV004624549.1).
Genomic context (GRCh38, chr19:7,526,836, plus strand): 5'-GACGTGTCACTGGGCCGGTATGCGTATGTCCGTGGTGGGGGTGACCCTTGGACCAATGGC[T>C]CAGGGCTTGCTCTCTGCCAGCGGTACTACCACCGAGGCCACGTGGACCCGGCCAACGACA-3'
Protein context (NP_065394.1, residues 151-171): RGGGDPWTNG[Ser161Pro]GLALCQRYYH

ClinVar aggregate classification (germline): Uncertain significance (1 of 4 stars; one submission).

Conditions:
Inborn genetic diseases. Identifiers: MedGen C0950123, MeSH D030342.

gnomAD v4.1: 28 of 1,613,964 alleles (0.0017%); highest among the groups gnomAD compares: South Asian, 0.029%; no homozygotes.

Submission:

Ambry Genetics
Classification: Uncertain significance for Inborn genetic diseases. Last evaluated: 2025-10-23. Review status: criteria provided, single submitter. Criteria: Ambry Variant Classification Scheme 2023. Collection method: clinical testing. Allele origin: germline.
Comment: The p.S161P variant (also known as c.481T>C), located in coding exon 4 of the MCOLN1 gene, results from a T to C substitution at nucleotide position 481. The serine at codon 161 is replaced by proline, an amino acid with similar properties. This amino acid position is conserved. In addition, the in silico prediction for this alteration is inconclusive. Based on the available evidence, the clinical significance of this variant remains unclear.